The following is an entry in ClinVar:

ClinVar aggregate classification (germline): Conflicting classifications of pathogenicity. Review status: criteria provided, conflicting classifications (1 of 4 stars). 5 submissions from 5 submitters: Uncertain significance (3); Likely benign (2). Last evaluated 2025-12-11.

Conditions:
Inborn genetic diseases. Identifiers: MedGen C0950123, MeSH D030342.

Allele frequency attached by ClinVar (database versions not stated): gnomAD exomes 0.00004; ExAC 0.00006; gnomAD 0.00008 and 0.00009; TOPMed 0.00010; ESP Exome Variant Server 0.00015.
gnomAD v4.1: 291 of 1,613,956 alleles (0.018%); highest among the groups gnomAD compares: Non-Finnish European, 0.023%; no homozygotes.

Submissions (5):

Women's Health and Genetics/Laboratory Corporation of America, LabCorp
Classification: Uncertain significance. Last evaluated: 2025-12-11. Review status: criteria provided, single submitter. Criteria: LabCorp Variant Classification Summary - May 2015. Collection method: clinical testing. Allele origin: germline.
Comment: Variant summary: CSF1R c.1283A>G (p.Asn428Ser) results in a conservative amino acid change in the encoded protein sequence. Algorithms developed to predict the effect of missense changes on protein structure and function all suggest that this variant is likely to be tolerated. The variant allele was found at a frequency of 4.4e-05 in 251312 control chromosomes (gnomAD). This frequency is not significantly higher than estimated for disease-causing variants in CSF1R, allowing no conclusion about variant significance. To our knowledge, no occurrence of c.1283A>G in individuals affected with CSF1R-related conditions and no experimental evidence demonstrating its impact on protein function have been reported. ClinVar contains an entry for this variant (Variation ID: 1504770). Based on the evidence outlined above, the variant was classified as uncertain significance.

Labcorp Genetics (formerly Invitae), Labcorp
Classification: Likely benign. Last evaluated: 2025-01-19. Review status: criteria provided, single submitter. Criteria: Invitae Variant Classification Sherloc (09022015). Collection method: clinical testing. Allele origin: germline.

Mayo Clinic Laboratories, Mayo Clinic
Classification: Uncertain significance. Last evaluated: 2024-06-25. Review status: criteria provided, single submitter. Criteria: ACMG Guidelines, 2015. Collection method: clinical testing. Allele origin: germline. Observed: 1 variant allele.
Comment: BP4, PM2

Blueprint Genetics
Classification: Likely benign. Last evaluated: 2022-12-21. Review status: criteria provided, single submitter. Criteria: ACMG Guidelines, 2015. Collection method: clinical testing. Allele origin: germline.

Ambry Genetics
Classification: Uncertain significance for Inborn genetic diseases. Last evaluated: 2021-09-16. Review status: criteria provided, single submitter. Criteria: Ambry Variant Classification Scheme 2023. Collection method: clinical testing. Allele origin: germline.

NM_001288705.3(CSF1R):c.1283A>G (p.Asn428Ser)

Gene: CSF1R (colony stimulating factor 1 receptor; minus strand). Cytogenetic location: 5q32.
Variant type: single nucleotide variant.
Coding change: c.1283A>G on transcript NM_001288705.3 (MANE Select); coding-DNA position 1283, A replaced by G.
Protein change: p.Asn428Ser; replaces asparagine 428 with serine.
Molecular consequence: missense variant. On other transcripts: non-coding transcript variant (2).
Genome position (GRCh38, 1-based): chr5:150,070,218, T>C on the plus strand (A>G on the coding strand, the complement: CSF1R is on the minus strand). VCF-style: chr5-150070218-T-C. GRCh37 (hg19) VCF-style: chr5-149449781-T-C.
Other names: p.Asn428Ser; c.1283A>G, p.Asn428Ser (NM_001349736.2, NM_001375320.1, NM_005211.4); c.839A>G, p.Asn280Ser (NM_001375321.1); c.1283A>G (NM_005211.3); short protein forms N428S, N280S.
Identifiers: ClinVar variation 1504770 (VCV001504770.10), dbSNP rs140815605, ClinGen allele CA3506892.